The following is an entry in ClinVar:

ClinVar aggregate classification (germline): Uncertain significance (1 of 4 stars; one submission).

Allele frequency attached by ClinVar (database versions not stated): gnomAD exomes 0.00005; ExAC 0.00014; ESP Exome Variant Server 0.00023; gnomAD 0.00052; TOPMed 0.00059; 1000 Genomes Project 30x 0.00094; 1000 Genomes Project 0.00100.
gnomAD v4.1: 162 of 1,614,190 alleles (0.01%); highest among the groups gnomAD compares: African/African-American, 0.19%; 1 homozygote.

Submission:

Labcorp Genetics (formerly Invitae), Labcorp
Classification: Uncertain significance. Last evaluated: 2025-09-07. Review status: criteria provided, single submitter. Criteria: Invitae Variant Classification Sherloc (09022015). Collection method: clinical testing. Allele origin: germline.
Comment: This sequence change replaces glutamine, which is neutral and polar, with arginine, which is basic and polar, at codon 576 of the EIF2AK1 protein (p.Gln576Arg). This variant is present in population databases (rs142183790, gnomAD 0.2%), and has an allele count higher than expected for a pathogenic variant. This variant has not been reported in the literature in individuals affected with EIF2AK1-related conditions. ClinVar contains an entry for this variant (Variation ID: 2080815). An algorithm developed to predict the effect of missense changes on protein structure and function (PolyPhen-2) suggests that this variant is likely to be disruptive. In summary, the available evidence is currently insufficient to determine the role of this variant in disease. Therefore, it has been classified as a Variant of Uncertain Significance.

NM_014413.4(EIF2AK1):c.1727A>G (p.Gln576Arg)

Gene: EIF2AK1 (eukaryotic translation initiation factor 2 alpha kinase 1; minus strand). Cytogenetic location: 7p22.1.
Variant type: single nucleotide variant.
Coding change: c.1727A>G on transcript NM_014413.4 (MANE Select); coding-DNA position 1727, A replaced by G.
Protein change: p.Gln576Arg; replaces glutamine 576 with arginine.
Molecular consequence: missense variant.
Genome position (GRCh38, 1-based): chr7:6,026,765, T>C on the plus strand (A>G on the coding strand, the complement: EIF2AK1 is on the minus strand). VCF-style: chr7-6026765-T-C. GRCh37 (hg19) VCF-style: chr7-6066396-T-C.
Other names: c.1724A>G, p.Gln575Arg (NM_001134335.2); short protein forms Q575R, Q576R.
Identifiers: ClinVar variation 2080815 (VCV002080815.4), dbSNP rs142183790, ClinGen allele CA4150652.